The following is an entry in ClinVar:

NM_000077.5(CDKN2A):c.458-17C>T

Gene: CDKN2A (cyclin dependent kinase inhibitor 2A; minus strand). Cytogenetic location: 9p21.3.
Variant type: single nucleotide variant.
Coding change: c.458-17C>T on transcript NM_000077.5 (MANE Select); 17 bases into the intron before coding-DNA position 458, C replaced by T.
Molecular consequence: intron variant.
Genome position (GRCh38, 1-based): chr9:21,968,259, G>A on the plus strand (C>T on the coding strand, the complement: CDKN2A is on the minus strand). VCF-style: chr9-21968259-G-A. GRCh37 (hg19) VCF-style: chr9-21968258-G-A.
Other names: c.305-17C>T (NM_001363763.2); c.*102-17C>T (NM_058195.4); c.*151-17C>T (NM_001195132.2); c.*381-17C>T (NM_058197.5).
Identifiers: ClinVar variation 923207 (VCV000923207.12), dbSNP rs777951032, ClinGen allele CA5012131.
Genomic context (GRCh38, chr9:21,968,259, plus strand): 5'-CCGAGGTTTCTCAGAGCCTCTCTGGTTCTTTCAATCGGGGATGTCTGCAGAGGGCAGAAA[G>A]AAAACAGGCGTTAGAAACCTGAGGTCAAAGATGTGTGGCACATCCCGCCCTCCTCTCTTG-3'

ClinVar aggregate classification (germline): Likely benign. Review status: criteria provided, multiple submitters, no conflicts (2 of 4 stars). 3 submissions from 3 submitters: Likely benign (3). Last evaluated 2026-01-12.

Conditions:
Familial melanoma. Also called: Hereditary melanoma; Hereditary cutaneous melanoma. Identifiers: Orphanet 618, MedGen C1512419, MONDO:0018961.
Melanoma-pancreatic cancer syndrome. Identifiers: Orphanet 404560, MedGen C1838547, MONDO:0011713, OMIM 606719. Disease mechanism: loss of function.
Hereditary cancer-predisposing syndrome. Also called: Tumor predisposition; Neoplastic Syndromes, Hereditary; Hereditary neoplastic syndrome; Hereditary Cancer Syndrome. Identifiers: Orphanet 140162, MedGen C0027672, MeSH D009386, MONDO:0015356.

Allele frequency attached by ClinVar (database versions not stated): TOPMed below 0.00001; gnomAD exomes 0.00001 and 0.00003; ExAC 0.00002.
gnomAD v4.1: 8 of 1,613,890 alleles (0.0005%); highest among the groups gnomAD compares: East Asian, 0.018%; no homozygotes.

Submissions (3):

Labcorp Genetics (formerly Invitae), Labcorp
Classification: Likely benign for Familial melanoma. Last evaluated: 2026-01-12. Review status: criteria provided, single submitter. Criteria: Invitae Variant Classification Sherloc (09022015). Collection method: clinical testing. Allele origin: germline.

Myriad Genetics, Inc.
Classification: Likely benign for Melanoma-pancreatic cancer syndrome. Last evaluated: 2025-08-18. Review status: criteria provided, single submitter. Criteria: Myriad Autosomal Dominant, Autosomal Recessive and X-Linked Classification Criteria (2023). Collection method: clinical testing. Allele origin: unknown.
Comment: This variant is considered likely benign. This variant is intronic and is not expected to impact mRNA splicing.

Color Diagnostics, LLC DBA Color Health
Classification: Likely benign for Hereditary cancer-predisposing syndrome. Last evaluated: 2017-01-20. Review status: criteria provided, single submitter. Criteria: ACMG Guidelines, 2015. Collection method: clinical testing. Allele origin: germline.